The following is an entry in ClinVar:

NM_000348.4(SRD5A2):c.669C>G (p.Phe223Leu)

Gene: SRD5A2 (steroid 5 alpha-reductase 2; minus strand). Cytogenetic location: 2p23.1.
Variant type: single nucleotide variant.
Coding change: c.669C>G on transcript NM_000348.4 (MANE Select); coding-DNA position 669, C replaced by G.
Protein change: p.Phe223Leu; replaces phenylalanine 223 with leucine.
Molecular consequence: missense variant.
Genome position (GRCh38, 1-based): chr2:31,529,336, G>C on the plus strand (C>G on the coding strand, the complement: SRD5A2 is on the minus strand). VCF-style: chr2-31529336-G-C. GRCh37 (hg19) VCF-style: chr2-31754406-G-C.
Other names: short protein forms F223L.
Identifiers: ClinVar variation 3045745 (VCV003045745.1), dbSNP rs2465624903, ClinGen allele CA346597895.
Genomic context (GRCh38, chr2:31,529,336, plus strand): 5'-TGAATGCTGCCGCTTTTATTGAAAAATTTACCTATGGTGGTGAAAAGCTCGCAGCCCAAG[G>C]AAACAAAGTGAGAAAAATGCAAATGCAAGTGCTGGGAGGGACCAAGTGGCCAGGGCATAG-3'
Protein context (NP_000339.2, residues 213-233): ALAFAFFSLC[Phe223Leu]LGLRAFHHHR

ClinVar aggregate classification (germline): Likely benign (1 of 4 stars; one submission).

Conditions:
SRD5A2-related disorder. Also called: SRD5A2-related condition.

Submission:

PreventionGenetics, part of Exact Sciences
Classification: Likely benign for SRD5A2-related condition. Last evaluated: 2020-06-22. Review status: criteria provided, single submitter. Criteria: ACMG Guidelines, 2015. Collection method: clinical testing. Allele origin: germline.
Comment: This variant is classified as likely benign based on ACMG/AMP sequence variant interpretation guidelines (Richards et al. 2015 PMID: 25741868, with internal and published modifications).